The following is an entry in ClinVar:

NM_000212.3(ITGB3):c.602A>T (p.Asn201Ile)

Gene: ITGB3 (integrin subunit beta 3; plus strand). Cytogenetic location: 17q21.32.
Variant type: single nucleotide variant.
Coding change: c.602A>T on transcript NM_000212.3 (MANE Select); coding-DNA position 602, A replaced by T.
Protein change: p.Asn201Ile; replaces asparagine 201 with isoleucine.
Molecular consequence: missense variant.
Genome position (GRCh38, 1-based): chr17:47,284,683, A>T. VCF-style: chr17-47284683-A-T. GRCh37 (hg19) VCF-style: chr17-45362049-A-T.
Other names: short protein forms N201I.
Identifiers: ClinVar variation 4747583 (VCV004747583.1).

ClinVar aggregate classification (germline): Likely pathogenic (1 of 4 stars; one submission).

Submission:

Labcorp Genetics (formerly Invitae), Labcorp
Classification: Likely pathogenic. Last evaluated: 2025-04-30. Review status: criteria provided, single submitter. Criteria: Invitae Variant Classification Sherloc (09022015). Collection method: clinical testing. Allele origin: germline.
Comment: This sequence change replaces asparagine, which is neutral and polar, with isoleucine, which is neutral and non-polar, at codon 201 of the ITGB3 protein (p.Asn201Ile). This variant is not present in population databases (gnomAD no frequency). This missense change has been observed in individual(s) with autosomal recessive Glanzmann thrombasthenia (internal data). In at least one individual the data is consistent with being in trans (on the opposite chromosome) from a pathogenic variant. Invitae Evidence Modeling of protein sequence and biophysical properties (such as structural, functional, and spatial information, amino acid conservation, physicochemical variation, residue mobility, and thermodynamic stability) indicates that this missense variant is expected to disrupt ITGB3 protein function with a positive predictive value of 95%. This variant disrupts the p.Asn201 amino acid residue in ITGB3. Other variant(s) that disrupt this residue have been observed in individuals with ITGB3-related conditions (internal data), which suggests that this may be a clinically significant amino acid residue. In summary, the currently available evidence indicates that the variant is pathogenic, but additional data are needed to prove that conclusively. Therefore, this variant has been classified as Likely Pathogenic.